The following is an entry in ClinVar:

NM_000093.5(COL5A1):c.4698+121C>T

Genes: COL5A1 (collagen type V alpha 1 chain; plus strand), LOC101448202 (uncharacterized LOC101448202; minus strand). Cytogenetic location: 9q34.3.
Variant type: single nucleotide variant.
Coding change: c.4698+121C>T on transcript NM_000093.5 (MANE Select); 121 bases into the intron after coding-DNA position 4698, C replaced by T.
Molecular consequence: intron variant.
Genome position (GRCh38, 1-based): chr9:134,823,590, C>T. VCF-style: chr9-134823590-C-T. GRCh37 (hg19) VCF-style: chr9-137715436-C-T.
Other names: c.4698+121C>T (NM_001278074.1).
Identifiers: ClinVar variation 676069 (VCV000676069.1), dbSNP rs145056122, ClinGen allele CA201099693.
Genomic context (GRCh38, chr9:134,823,590, plus strand): 5'-GAGAAAGCAACTGTGTGTGTGTGACCCCTCCTGAGACTCATGAAGCCCATGTGGCATGCC[C>T]GGGCCTTGTCCCTCGCACGCAGCCGGGGAAATGAGCCACACAGGTCTATCACAGGAAGCT-3'

ClinVar aggregate classification (germline): Likely benign (1 of 4 stars; one submission).

Allele frequency attached by ClinVar (database versions not stated): gnomAD 0.00403 and 0.00425; TOPMed 0.00444; 1000 Genomes Project 0.00479; 1000 Genomes Project 30x 0.00593.
gnomAD v4.1: 1,052 of 1,068,558 alleles (0.098%); highest among the groups gnomAD compares: African/African-American, 1.4%; 5 homozygotes.

Submission:

GeneDx
Classification: Likely benign. Last evaluated: 2018-06-19. Review status: criteria provided, single submitter. Criteria: GeneDx Variant Classification (06012015). Collection method: clinical testing. Allele origin: germline. Affected: yes.
Comment: This variant is considered likely benign or benign based on one or more of the following criteria: it is a conservative change, it occurs at a poorly conserved position in the protein, it is predicted to be benign by multiple in silico algorithms, and/or has population frequency not consistent with disease.